The following is an entry in ClinVar:

NM_000059.4(BRCA2):c.476-2A>G

Gene: BRCA2 (BRCA2 DNA repair associated; plus strand). Cytogenetic location: 13q13.1.
Variant type: single nucleotide variant.
Coding change: c.476-2A>G on transcript NM_000059.4 (MANE Select); the canonical splice acceptor site of the intron before coding-DNA position 476, A replaced by G.
Molecular consequence: splice acceptor variant.
Genome position (GRCh38, 1-based): chr13:32,326,240, A>G. VCF-style: chr13-32326240-A-G. GRCh37 (hg19) VCF-style: chr13-32900377-A-G.
Other names: IVS5-2A>G; c.476-2A>G (NM_001406720.1, NM_001406719.1, NM_001406721.1); c.107-2A>G (NM_001406722.1).
Identifiers: ClinVar variation 37923 (VCV000037923.34), dbSNP rs81002853, ClinGen allele CA020792.

ClinVar aggregate classification (germline): Pathogenic. Review status: reviewed by expert panel (3 of 4 stars). 14 submissions from 14 submitters: Pathogenic (1). 13 of the submissions do not count toward it. Last evaluated 2015-08-10.

Conditions:
Breast and/or ovarian cancer. Identifiers: MedGen CN221562.
Hereditary cancer-predisposing syndrome. Also called: Neoplastic Syndromes, Hereditary; Tumor predisposition; Hereditary Cancer Syndrome; Hereditary neoplastic syndrome. Identifiers: Orphanet 140162, MedGen C0027672, MeSH D009386, MONDO:0015356.
Hereditary breast ovarian cancer syndrome. Also called: Hereditary breast and ovarian cancer; Breast and ovarian cancer; Hereditary breast and/or ovarian cancer syndrome; Hereditary breast and ovarian cancer syndrome (HBOC); Hereditary breast and ovarian cancer syndrome; BRCA1- and BRCA2-Associated Hereditary Breast and Ovarian Cancer. Identifiers: Orphanet 145, MedGen C0677776, MeSH D061325, MONDO:0003582. Disease mechanism: loss of function.
Breast-ovarian cancer, familial, susceptibility to, 2 (BROVCA2). Also called: BRCA2 Hereditary Breast and Ovarian Cancer. Identifiers: Orphanet 145, MedGen C2675520, MONDO:0012933, OMIM 612555. Disease mechanism: loss of function.
Familial cancer of breast. Also called: BREAST CANCER, FAMILIAL; Hereditary breast cancer; hereditary breast carcinoma. Identifiers: Orphanet 227535, MedGen C0346153, MONDO:0016419, OMIM 114480. Disease mechanism: loss of function.

Submissions (14):

Evidence-based Network for the Interpretation of Germline Mutant Alleles (ENIGMA)
Classification: Pathogenic for Breast-ovarian cancer, familial, susceptibility to, 2. Last evaluated: 2015-08-10. Review status: reviewed by expert panel. Criteria: ENIGMA BRCA1/2 Classification Criteria (2015). Collection method: curation. Allele origin: germline.
Comment: IARC class based on posterior probability from multifactorial likelihood analysis, thresholds for class as per Plon et al. 2008 (PMID: 18951446). Class 5 based on posterior probability = 1

CeGaT Center for Human Genetics Tuebingen
Classification: Pathogenic. Last evaluated: 2025-06-01. Review status: criteria provided, single submitter. Criteria: CeGaT Center For Human Genetics Tuebingen Variant Classification Criteria Version 2. Collection method: clinical testing. Allele origin: germline. Affected: yes. Observed: 1 variant allele. Not counted in ClinVar's aggregate classification.
Comment: BRCA2: PVS1, PM2, PS4:Moderate

Labcorp Genetics (formerly Invitae), Labcorp
Classification: Pathogenic for Hereditary breast ovarian cancer syndrome. Last evaluated: 2025-05-04. Review status: criteria provided, single submitter. Criteria: Invitae Variant Classification Sherloc (09022015). Collection method: clinical testing. Allele origin: germline. Not counted in ClinVar's aggregate classification.
Comment: This sequence change affects an acceptor splice site in intron 5 of the BRCA2 gene. RNA analysis indicates that disruption of this splice site induces altered splicing and may result in an absent or altered protein product. This variant is not present in population databases (gnomAD no frequency). Disruption of this splice site has been observed in individual(s) with hereditary breast and ovarian cancer (PMID: 18489799, 27062684, 29084914). This variant is also known as IVS5-2A>G. ClinVar contains an entry for this variant (Variation ID: 37923). Based on a multifactorial likelihood algorithm using genetic, in silico, and/or statistical data, this variant has been determined to have a high probability of being pathogenic (PMID: 17924331, 21990134). Studies have shown that disruption of this splice site results in skipping of exon 6, and produces a non-functional protein and/or introduces a premature termination codon (internal data). For these reasons, this variant has been classified as Pathogenic.

Mayo Clinic Laboratories, Mayo Clinic
Classification: Pathogenic. Last evaluated: 2023-04-20. Review status: criteria provided, single submitter. Criteria: ACMG Guidelines, 2015. Collection method: clinical testing. Allele origin: germline. Observed: 1 variant allele. Not counted in ClinVar's aggregate classification.
Comment: PP5, PM2, PVS1

Baylor Genetics
Classification: Pathogenic for Familial cancer of breast. Last evaluated: 2023-03-08. Review status: criteria provided, single submitter. Criteria: ACMG Guidelines, 2015. Collection method: clinical testing. Allele origin: unknown. Not counted in ClinVar's aggregate classification.

Ambry Genetics
Classification: Pathogenic for Hereditary cancer-predisposing syndrome. Last evaluated: 2022-12-16. Review status: criteria provided, single submitter. Criteria: Ambry Variant Classification Scheme 2023. Collection method: clinical testing. Allele origin: germline. Not counted in ClinVar's aggregate classification.
Comment: The c.476-2A>G intronic pathogenic mutation results from an A to G substitution two nucleotides before coding exon 5 of the BRCA2 gene. This mutation was found in 4 of 1010 unrelated individuals from high-risk breast and/or ovarian cancer families in the Czech Republic (Machockova E et al. BMC Cancer. 2008 May 20;8:140). RNA studies have demonstrated that this alteration results in abnormal splicing in the set of samples tested (Ambry internal data; Colombo M et al. PLoS One. 2013;8(2):e57173; Machockova E et al. BMC Cancer. 2008 May 20;8:140). This alteration is unable to complement cell growth in a BRCA2-null mouse embryonic stem cell assay (Mesman RLS et al. Genet Med, 2020 08;22:1355-1365). In addition to the clinical data presented in the literature, alterations that disrupt the canonical splice site are expected to cause aberrant splicing, resulting in an abnormal protein or a transcript that is subject to nonsense-mediated mRNA decay. As such, this alteration is classified as a disease-causing mutation.

Revvity Omics, Revvity
Classification: Pathogenic. Last evaluated: 2022-12-14. Review status: criteria provided, single submitter. Criteria: ACMG Guidelines, 2015. Collection method: clinical testing. Allele origin: germline. Not counted in ClinVar's aggregate classification.

Women's Health and Genetics/Laboratory Corporation of America, LabCorp
Classification: Pathogenic for Hereditary breast ovarian cancer syndrome. Last evaluated: 2022-12-05. Review status: criteria provided, single submitter. Criteria: LabCorp Variant Classification Summary - May 2015. Collection method: clinical testing. Allele origin: germline. Not counted in ClinVar's aggregate classification.
Comment: Variant summary: BRCA2 c.476-2A>G is located in a canonical splice-site and is predicted to affect mRNA splicing resulting in a significantly altered protein due to either exon skipping, shortening, or inclusion of intronic material. Several computational tools predict a significant impact on normal splicing: Four predict the variant abolishes a 3' acceptor site. RT-PCR analysis showed the variant to result in two abnormal transcripts, one lacking exon 6 and one lacking exon 5-6, both predicted to result in premature termination codons (Colombo_2013). The variant was absent in 251060 control chromosomes. c.476-2A>G has been reported in the literature in multiple individuals affected with Hereditary Breast And Ovarian Cancer Syndrome (eg. Rebbeck_2018). These data indicate that the variant is very likely to be associated with disease. Seven clinical diagnostic laboratories have submitted clinical-significance assessments for this variant to ClinVar after 2014 without evidence for independent evaluation. All laboratories classified the variant as pathogenic. Based on the evidence outlined above, the variant was classified as pathogenic.

Quest Diagnostics Nichols Institute San Juan Capistrano
Classification: Pathogenic. Last evaluated: 2017-06-01. Review status: criteria provided, single submitter. Criteria: Quest Diagnostics criteria. Collection method: clinical testing. Allele origin: germline. Not counted in ClinVar's aggregate classification.

Consortium of Investigators of Modifiers of BRCA1/2 (CIMBA), c/o University of Cambridge
Classification: Pathogenic for Breast-ovarian cancer, familial, susceptibility to, 2. Last evaluated: 2015-10-02. Review status: criteria provided, single submitter. Criteria: CIMBA Mutation Classification guidelines May 2016. Collection method: clinical testing. Allele origin: germline. Not counted in ClinVar's aggregate classification.

CZECANCA consortium
Classification: Pathogenic for Breast and/or ovarian cancer. Last evaluated: 2019-06-11. Review status: no assertion criteria provided. Collection method: case-control, clinical testing. Allele origin: germline. Affected: no and yes. Observed: 2 variant alleles. Not counted in ClinVar's aggregate classification.

Counsyl
Classification: Pathogenic for Breast-ovarian cancer, familial, susceptibility to, 2. Last evaluated: 2017-07-14. Review status: no assertion criteria provided. Collection method: clinical testing. Allele origin: unknown. Not counted in ClinVar's aggregate classification.

Sharing Clinical Reports Project (SCRP)
Classification: Pathogenic for Breast-ovarian cancer, familial 2. Last evaluated: 2012-05-01. Review status: no assertion criteria provided. Collection method: clinical testing. Allele origin: germline. Not counted in ClinVar's aggregate classification.

Breast Cancer Information Core (BIC) (BRCA2)
Classification: Pathogenic for Breast-ovarian cancer, familial 2. Last evaluated: 2004-02-20. Review status: no assertion criteria provided. Collection method: clinical testing. Allele origin: germline. Affected: yes. Observed: 7 variant alleles. Not counted in ClinVar's aggregate classification.

Literature cited by the submitters: PubMed 21990134 (cited by 4 submitters); PubMed 18489799 (cited by 4 submitters); PubMed 27062684 (cited by 3 submitters); PubMed 29084914 (cited by Labcorp Genetics (formerly Invitae), Labcorp and Mayo Clinic Laboratories, Mayo Clinic); PubMed 17924331 (cited by 3 submitters); PubMed 23451180 (cited by 4 submitters); PubMed 32398771 (cited by Mayo Clinic Laboratories, Mayo Clinic and Ambry Genetics); PubMed 32854451 (cited by Mayo Clinic Laboratories, Mayo Clinic); PubMed 12759930 (cited by Ambry Genetics); PubMed 22632462 (cited by Ambry Genetics); PubMed 29446198 (cited by Women's Health and Genetics/Laboratory Corporation of America, LabCorp); PubMed 32295079 (cited by CZECANCA consortium); PubMed 21523855 (cited by Counsyl); PubMed 25525159 (cited by Counsyl).